The following is an entry in ClinVar:

NC_000003.12:g.(?_169764590)_(169765080_?)dup

Gene: TERC (telomerase RNA component; minus strand). Cytogenetic location: 3q26.2.
Variant type: Duplication.
Identifiers: ClinVar variation 831878 (VCV000831878.1).

ClinVar aggregate classification (germline): Uncertain significance (1 of 4 stars; one submission).

Conditions:
Dyskeratosis congenita, autosomal dominant 1 (DKCA1). Also called: Dyskeratosis congenita Scoggins type. Identifiers: Orphanet 1775, MedGen C4551974, MONDO:0007485, OMIM 127550. Inheritance: Variable.

Submission:

Labcorp Genetics (formerly Invitae), Labcorp
Classification: Uncertain significance for Autosomal dominant dyskeratosis congenita. Last evaluated: 2019-09-13. Review status: criteria provided, single submitter. Criteria: Invitae Variant Classification Sherloc (09022015). Collection method: clinical testing. Allele origin: germline.
Comment: This variant results in a copy number gain of the genomic region encompassing the full coding sequence of the TERC gene. The boundaries of this event are unknown as they extend beyond the assayed region for this gene and therefore may encompass additional genes. As the precise location of this event is unknown, it may be in tandem or it may be located elsewhere in the genome. This variant has not been reported in the literature in individuals with TERC-related conditions. In summary, the available evidence is currently insufficient to determine the role of this variant in disease. Therefore, it has been classified as a Variant of Uncertain Significance.